The following is an entry in ClinVar:

NC_000002.11:g.(?_228115836)_(228116107_?)del

Gene: COL4A3 (collagen type IV alpha 3 chain; plus strand). Cytogenetic location: 2q36.3.
Variant type: Deletion.
Identifiers: ClinVar variation 1372077 (VCV001372077.5).

ClinVar aggregate classification (germline): Uncertain significance (1 of 4 stars; one submission).

Submission:

Labcorp Genetics (formerly Invitae), Labcorp
Classification: Uncertain significance. Last evaluated: 2023-11-13. Review status: criteria provided, single submitter. Criteria: Invitae Variant Classification Sherloc (09022015). Collection method: clinical testing. Allele origin: germline.
Comment: This variant is a gross deletion of the genomic region encompassing exon(s) 10-11 of the COL4A3 gene. This variant would be expected to be in-frame, preserving the integrity of the reading frame. This variant has not been reported in the literature in individuals affected with COL4A3-related conditions. Experimental studies and prediction algorithms are not available or were not evaluated, and the functional significance of this variant is currently unknown. In summary, the available evidence is currently insufficient to determine the role of this variant in disease. Therefore, it has been classified as a Variant of Uncertain Significance.